The following is an entry in ClinVar:

ClinVar aggregate classification (germline): Benign. Review status: criteria provided, multiple submitters, no conflicts (2 of 4 stars). 21 submissions from 20 submitters: Benign (19). 2 of the submissions do not count toward it. Last evaluated 2026-02-04.

Conditions:
Hereditary cancer-predisposing syndrome. Also called: Hereditary Cancer Syndrome; Hereditary neoplastic syndrome; Tumor predisposition; Neoplastic Syndromes, Hereditary. Identifiers: Orphanet 140162, MedGen C0027672, MeSH D009386, MONDO:0015356.
Hyperparathyroidism. Identifiers: MedGen C0020502, MONDO:0001741, HP:0000843.
Multiple endocrine neoplasia, type 1 (MEN1). Also called: MEA I; MEN I; WERMER SYNDROME; Endocrine adenomatosis multiple; MEN 1. Identifiers: Orphanet 652, MedGen C0025267, MeSH D018761, MONDO:0007540, OMIM 131100.

Allele frequency attached by ClinVar (database versions not stated): 1000 Genomes Project 0.01058; 1000 Genomes Project 30x 0.01109; TOPMed 0.02126; ESP Exome Variant Server 0.02639; gnomAD 0.02685 and 0.02784; gnomAD exomes 0.02780 and 0.03660; ExAC 0.02862.

Submissions (21):

Labcorp Genetics (formerly Invitae), Labcorp
Classification: Benign for Multiple endocrine neoplasia, type 1. Last evaluated: 2026-02-04. Review status: criteria provided, single submitter. Criteria: Invitae Variant Classification Sherloc (09022015). Collection method: clinical testing. Allele origin: germline.

ARUP Laboratories, Molecular Genetics and Genomics, ARUP Laboratories
Classification: Benign. Last evaluated: 2025-07-30. Review status: criteria provided, single submitter. Criteria: ARUP Molecular Germline Variant Investigation Process 2024. Collection method: clinical testing. Allele origin: germline.

Center for Genomic Medicine, Rigshospitalet, Copenhagen University Hospital
Classification: Benign. Last evaluated: 2025-03-04. Review status: criteria provided, single submitter. Criteria: ACMG Guidelines, 2015. Collection method: clinical testing. Allele origin: germline.

Blueprint Genetics
Classification: Benign. Last evaluated: 2024-11-27. Review status: criteria provided, single submitter. Criteria: ACMG Guidelines, 2015. Collection method: clinical testing. Allele origin: germline.

Myriad Genetics, Inc.
Classification: Benign for Multiple endocrine neoplasia, type 1. Last evaluated: 2024-11-01. Review status: criteria provided, single submitter. Criteria: Myriad Autosomal Dominant, Autosomal Recessive and X-Linked Classification Criteria (2023). Collection method: clinical testing. Allele origin: unknown.
Comment: This variant is considered benign. This variant is a silent/synonymous amino acid change and it is not expected to impact splicing.

KCCC/NGS Laboratory, Kuwait Cancer Control Center
Classification: Benign for Multiple endocrine neoplasia, type 1. Last evaluated: 2023-07-07. Review status: criteria provided, single submitter. Criteria: ACMG Guidelines, 2015. Collection method: clinical testing. Allele origin: germline. Affected: yes.

Quest Diagnostics Nichols Institute San Juan Capistrano
Classification: Benign. Last evaluated: 2022-05-18. Review status: criteria provided, single submitter. Criteria: Quest Diagnostics criteria. Collection method: clinical testing. Allele origin: unknown.

Mayo Clinic Laboratories, Mayo Clinic
Classification: Benign. Last evaluated: 2022-03-03. Review status: criteria provided, single submitter. Criteria: ACMG Guidelines, 2015. Collection method: clinical testing. Allele origin: germline. Observed: 39 variant alleles.

Department of Pathology and Laboratory Medicine, Sinai Health System
Classification: Benign for Multiple endocrine neoplasia, type 1. Last evaluated: 2021-11-18. Review status: criteria provided, single submitter. Criteria: ACMG Guidelines, 2015. Collection method: clinical testing. Allele origin: germline. Affected: yes.

Sema4
Classification: Benign for Hereditary cancer-predisposing syndrome. Last evaluated: 2020-07-08. Review status: criteria provided, single submitter. Criteria: Sema4 Curation Guidelines. Collection method: curation. Allele origin: germline.

Color Diagnostics, LLC DBA Color Health
Classification: Benign for Multiple endocrine neoplasia, type 1. Last evaluated: 2019-03-28. Review status: criteria provided, single submitter. Criteria: ACMG Guidelines, 2015. Collection method: clinical testing. Allele origin: germline.

Illumina Laboratory Services, Illumina
Classification: Benign for Multiple endocrine neoplasia, type 1. Last evaluated: 2018-01-13. Review status: criteria provided, single submitter. Criteria: ICSL Variant Classification Criteria 13 December 2019. Collection method: clinical testing. Allele origin: germline.
Comment: This variant was observed in the ICSL laboratory as part of a predisposition screen in an ostensibly healthy population. It had not been previously curated by ICSL or reported in the Human Gene Mutation Database (HGMD: prior to June 1st, 2018), and was therefore a candidate for classification through an automated scoring system. Utilizing variant allele frequency, disease prevalence and penetrance estimates, and inheritance mode, an automated score was calculated to assess if this variant is too frequent to cause the disease. Based on the score and internal cut-off values, a variant classified as benign is not then subjected to further curation. The score for this variant resulted in a classification of benign for this disease.

Illumina Laboratory Services, Illumina
Classification: Benign for Hyperparathyroidism. Last evaluated: 2018-01-13. Review status: criteria provided, single submitter. Criteria: ICSL Variant Classification Criteria 13 December 2019. Collection method: clinical testing. Allele origin: germline.
Comment: the same text as in the submission from Illumina Laboratory Services, Illumina above.

Athena Diagnostics
Classification: Benign. Last evaluated: 2017-11-01. Review status: criteria provided, single submitter. Criteria: Athena Diagnostics Criteria. Collection method: clinical testing. Allele origin: germline.

Ambry Genetics
Classification: Benign for Hereditary cancer-predisposing syndrome. Last evaluated: 2015-05-22. Review status: criteria provided, single submitter. Criteria: Ambry Variant Classification Scheme 2023. Collection method: clinical testing. Allele origin: germline.

GeneDx
Classification: Benign. Last evaluated: 2015-03-03. Review status: criteria provided, single submitter. Criteria: GeneDx Variant Classification Process June 2021. Collection method: clinical testing. Allele origin: germline. Affected: yes.

Eurofins Ntd Llc (ga)
Classification: Benign. Last evaluated: 2014-07-30. Review status: criteria provided, single submitter. Criteria: EGL Classification Definitions 2015. Collection method: clinical testing. Allele origin: germline. Observed: 4 variant alleles, 4 heterozygotes.

Breakthrough Genomics
Classification: Benign. Review status: criteria provided, single submitter. Criteria: ACMG Guidelines, 2015. Collection method: not provided. Allele origin: germline. Inheritance: Autosomal dominant inheritance. Affected: yes.

PreventionGenetics, part of Exact Sciences
Classification: Benign. Review status: criteria provided, single submitter. Criteria: ACMG Guidelines, 2015. Collection method: clinical testing. Allele origin: germline.

Genome Diagnostics Laboratory, University Medical Center Utrecht
Classification: Benign. Review status: no assertion criteria provided. Collection method: clinical testing. Allele origin: germline. Affected: yes. Study: VKGL Data-share Consensus. Not counted in ClinVar's aggregate classification.

Joint Genome Diagnostic Labs from Nijmegen and Maastricht, Radboudumc and MUMC+
Classification: Benign. Review status: no assertion criteria provided. Collection method: clinical testing. Allele origin: germline. Affected: yes. Study: VKGL Data-share Consensus. Not counted in ClinVar's aggregate classification.

Literature cited by the submitters: PubMed 9463336 (cited by Quest Diagnostics Nichols Institute San Juan Capistrano and Athena Diagnostics); PubMed 10090472 (cited by Quest Diagnostics Nichols Institute San Juan Capistrano and Athena Diagnostics); PubMed 10634422 (cited by Quest Diagnostics Nichols Institute San Juan Capistrano and Athena Diagnostics); PubMed 10759881 (cited by Quest Diagnostics Nichols Institute San Juan Capistrano and Athena Diagnostics); PubMed 23933118 (cited by Quest Diagnostics Nichols Institute San Juan Capistrano); PubMed 17590169 (cited by Quest Diagnostics Nichols Institute San Juan Capistrano and Athena Diagnostics); PubMed 17623761 (cited by Quest Diagnostics Nichols Institute San Juan Capistrano and Athena Diagnostics); PubMed 9215689 (cited by Quest Diagnostics Nichols Institute San Juan Capistrano and Athena Diagnostics); PubMed 9407947 (cited by Quest Diagnostics Nichols Institute San Juan Capistrano and Athena Diagnostics); PubMed 12746426 (cited by Quest Diagnostics Nichols Institute San Juan Capistrano); PubMed 9683585 (cited by Quest Diagnostics Nichols Institute San Juan Capistrano and Athena Diagnostics); PubMed 9888389 (cited by Quest Diagnostics Nichols Institute San Juan Capistrano and Athena Diagnostics); PubMed 9935177 (cited by Quest Diagnostics Nichols Institute San Juan Capistrano and Athena Diagnostics); PubMed 10843194 (cited by Athena Diagnostics); PubMed 11807402 (cited by Athena Diagnostics); PubMed 17953629 (cited by Athena Diagnostics).

NM_001370259.2(MEN1):c.435C>T (p.Ser145=)

Gene: MEN1 (menin 1; minus strand). Cytogenetic location: 11q13.1.
Variant type: single nucleotide variant.
Coding change: c.435C>T on transcript NM_001370259.2 (MANE Select); coding-DNA position 435, C replaced by T.
Protein change: p.Ser145=; no amino-acid change (serine 145 retained).
Molecular consequence: synonymous variant.
Genome position (GRCh38, 1-based): chr11:64,809,675, G>A on the plus strand (C>T on the coding strand, the complement: MEN1 is on the minus strand). VCF-style: chr11-64809675-G-A. GRCh37 (hg19) VCF-style: chr11-64577147-G-A.
Other names: p.Ser145=; c.435C>T, p.Ser145= (NM_000244.4, NM_001370251.2, NM_001370260.2 and 9 more transcripts).
Identifiers: ClinVar variation 96252 (VCV000096252.55), dbSNP rs61736636, ClinGen allele CA009422.